The following is an entry in ClinVar:

ClinVar aggregate classification (germline): Pathogenic. Review status: criteria provided, multiple submitters, no conflicts (2 of 4 stars). 7 submissions from 7 submitters: Pathogenic (6). 1 of the submissions does not count toward it. Last evaluated 2026-09-01.

Conditions:
Muscular dystrophy, limb-girdle, autosomal dominant 4. Also called: MUSCULAR DYSTROPHY, LIMB-GIRDLE, TYPE 1I; Calpain-3-related limb-girdle muscular dystrophy D4. Identifiers: Orphanet 565909, MedGen C4748295, MONDO:0029133, OMIM 618129.
Autosomal recessive limb-girdle muscular dystrophy. Identifiers: Orphanet 102015, MedGen C2931907, MONDO:0015152.
Autosomal recessive limb-girdle muscular dystrophy type 2A (LGMDR1). Also called: Calpainopathy; Muscular dystrophy, limb-girdle, type 2A, Amish; LEYDEN-MOEBIUS MUSCULAR DYSTROPHY; MUSCULAR DYSTROPHY, PELVOFEMORAL; Limb-girdle muscular dystrophy, type 2A. Identifiers: Orphanet 267, MedGen C1869123, MONDO:0009675, OMIM 253600. Disease mechanism: loss of function.

Allele frequency attached by ClinVar (database versions not stated): gnomAD exomes below 0.00001; ExAC 0.00001.
gnomAD v4.1: 2 of 1,614,166 alleles (0.00012%); highest among the groups gnomAD compares: Non-Finnish European, 0.00017%; no homozygotes.

Submissions (7):

CeGaT Center for Human Genetics Tuebingen
Classification: Pathogenic. Last evaluated: 2026-09-01. Review status: criteria provided, single submitter. Criteria: CeGaT Center For Human Genetics Tuebingen Variant Classification Criteria Version 2. Collection method: clinical testing. Allele origin: germline. Affected: yes. Observed: 1 variant allele.
Comment: CAPN3: PVS1, PM3:Strong, PM2, PS1:Supporting

Labcorp Genetics (formerly Invitae), Labcorp
Classification: Pathogenic for Autosomal recessive limb-girdle muscular dystrophy type 2A. Last evaluated: 2025-04-27. Review status: criteria provided, single submitter. Criteria: Invitae Variant Classification Sherloc (09022015). Collection method: clinical testing. Allele origin: germline.
Comment: This sequence change affects an acceptor splice site in intron 10 of the CAPN3 gene. It is expected to disrupt RNA splicing. Variants that disrupt the donor or acceptor splice site typically lead to a loss of protein function (PMID: 16199547), and loss-of-function variants in CAPN3 are known to be pathogenic (PMID: 10330340, 15689361). This variant is present in population databases (rs747557404, gnomAD 0.0009%). Disruption of this splice site has been observed in individuals with autosomal recessive CAPN3-related conditions (PMID: 16650086; internal data). ClinVar contains an entry for this variant (Variation ID: 288426). Algorithms developed to predict the effect of sequence changes on RNA splicing suggest that this variant may disrupt the consensus splice site. For these reasons, this variant has been classified as Pathogenic.

Women's Health and Genetics/Laboratory Corporation of America, LabCorp
Classification: Pathogenic for Autosomal recessive limb-girdle muscular dystrophy. Last evaluated: 2024-06-13. Review status: criteria provided, single submitter. Criteria: LabCorp Variant Classification Summary - May 2015. Collection method: clinical testing. Allele origin: germline.
Comment: Variant summary: CAPN3 c.1355-1G>C is located in a canonical splice-site and is predicted to affect mRNA splicing resulting in a significantly altered protein due to either exon skipping, shortening, or inclusion of intronic material. Several computational tools predict a significant impact on normal splicing: Three predict the variant abolishes a 3' acceptor site. However, these predictions have yet to be confirmed by functional studies. The variant allele was found at a frequency of 4e-06 in 251400 control chromosomes. c.1355-1G>C has been reported in the literature in the homozygous and compound heterozygous states in individuals affected with Limb-Girdle Muscular Dystrophy or muscular dystrophy (e.g. Krahn_2006, Ten Dam_2019). These data indicate that the variant is likely to be associated with disease. The following publications have been ascertained in the context of this evaluation (PMID: 16650086, 30919934). ClinVar contains an entry for this variant (Variation ID: 288426). Based on the evidence outlined above, the variant was classified as pathogenic.

Baylor Genetics
Classification: Pathogenic for Muscular dystrophy, limb-girdle, autosomal dominant 4. Last evaluated: 2023-12-14. Review status: criteria provided, single submitter. Criteria: ACMG Guidelines, 2015. Collection method: clinical testing. Allele origin: unknown.

Revvity Omics, Revvity
Classification: Pathogenic. Last evaluated: 2020-02-26. Review status: criteria provided, single submitter. Criteria: ACMG Guidelines, 2015. Collection method: clinical testing. Allele origin: germline.

Eurofins Ntd Llc (ga)
Classification: Pathogenic. Last evaluated: 2016-06-01. Review status: criteria provided, single submitter. Criteria: EGL Classification Definitions 2015. Collection method: clinical testing. Allele origin: germline. Observed: 1 variant allele, 1 heterozygote.

Natera, Inc.
Classification: Pathogenic for Limb-girdle muscular dystrophy type 2A. Last evaluated: 2021-04-02. Review status: no assertion criteria provided. Collection method: clinical testing. Allele origin: germline. Not counted in ClinVar's aggregate classification.

Literature cited by the submitters: PubMed 16199547 (cited by Labcorp Genetics (formerly Invitae), Labcorp); PubMed 10330340 (cited by Labcorp Genetics (formerly Invitae), Labcorp); PubMed 15689361 (cited by Labcorp Genetics (formerly Invitae), Labcorp); PubMed 16650086 (cited by Labcorp Genetics (formerly Invitae), Labcorp and Women's Health and Genetics/Laboratory Corporation of America, LabCorp); PubMed 30919934 (cited by Women's Health and Genetics/Laboratory Corporation of America, LabCorp).

NM_000070.3(CAPN3):c.1355-1G>C

Genes: CAPN3 (calpain 3; plus strand), LOC130056921 (ATAC-STARR-seq lymphoblastoid active region 9300; plus strand). Cytogenetic location: 15q15.1.
Variant type: single nucleotide variant.
Coding change: c.1355-1G>C on transcript NM_000070.3 (MANE Select); the canonical splice acceptor site of the intron before coding-DNA position 1355, G replaced by C.
Molecular consequence: splice acceptor variant.
Genome position (GRCh38, 1-based): chr15:42,401,640, G>C. VCF-style: chr15-42401640-G-C. GRCh37 (hg19) VCF-style: chr15-42693838-G-C.
Other names: c.1355-1G>C (NM_024344.2); c.1211-1G>C (NM_173087.2).
Identifiers: ClinVar variation 288426 (VCV000288426.24), dbSNP rs747557404, ClinGen allele CA7511340.